The following is an entry in ClinVar:

NM_000282.4(PCCA):c.1322_1323delinsA (p.Ile441fs)

Gene: PCCA (propionyl-CoA carboxylase subunit alpha; plus strand). Cytogenetic location: 13q32.3.
Variant type: Indel.
Coding change: c.1322_1323delinsA on transcript NM_000282.4 (MANE Select); coding-DNA positions 1322 to 1323, TT replaced by A.
Protein change: p.Ile441fs; shifts the reading frame from isoleucine 441.
Molecular consequence: frameshift variant. On other transcripts: non-coding transcript variant (5).
Genome position (GRCh38, 1-based): chr13:100,307,229-100,307,230, TT replaced by A. VCF-style: chr13-100307229-TT-A. GRCh37 (hg19) VCF-style: chr13-100959483-TT-A.
Other names: c.1244_1245delinsA, p.Ile415fs (NM_001127692.3, NM_001352607.2); c.1322_1323delinsA, p.Ile441fs (NM_001178004.2, NM_001352605.2, NM_001352609.2); c.1178_1179delinsA, p.Ile393fs (NM_001352606.2); c.1100_1101delinsA, p.Ile367fs (NM_001352608.2); c.377_378delinsA, p.Ile126fs (NM_001352610.2, NM_001352611.2); c.233_234delinsA, p.Ile78fs (NM_001352612.2); short protein forms I126fs, I367fs, I393fs, I415fs, I441fs, I78fs.
Identifiers: ClinVar variation 5012702 (VCV005012702.1).

ClinVar aggregate classification (germline): Pathogenic (1 of 4 stars; one submission).

Conditions:
Propionic acidemia (PROP). Also called: GLYCINEMIA, KETOTIC; HYPERGLYCINEMIA WITH KETOACIDOSIS AND LEUKOPENIA; KETOTIC HYPERGLYCINEMIA. Identifiers: Orphanet 35, MedGen C0268579, MONDO:0011628, OMIM 606054, HP:0003571.

Submission:

Myriad Genetics, Inc.
Classification: Pathogenic for Propionic acidemia. Last evaluated: 2024-02-03. Review status: criteria provided, single submitter. Criteria: Myriad Autosomal Dominant, Autosomal Recessive and X-Linked Classification Criteria (2023). Collection method: clinical testing. Allele origin: unknown.
Comment: NM_000282.3(PCCA):c.1322_1323delTTinsA(I441Kfs*8) is expected to be pathogenic in the context of PCCA-related propionic acidemia. This variant is predicted to lead to an abnormal or absent protein product due to the creation of a premature termination codon in PCCA, a gene where loss-of-function variants are known to be pathogenic. Please note: this variant was assessed in the context of healthy population screening.